The following is an entry in ClinVar:

NM_001386140.1(MTTP):c.539_544delinsTGTAT (p.Ala180fs)

Gene: MTTP (microsomal triglyceride transfer protein; plus strand). Cytogenetic location: 4q23.
Variant type: Indel.
Coding change: c.539_544delinsTGTAT on transcript NM_001386140.1 (MANE Select); coding-DNA positions 539 to 544, CTCATC replaced by TGTAT.
Protein change: p.Ala180fs; shifts the reading frame from alanine 180.
Molecular consequence: frameshift variant.
Genome position (GRCh38, 1-based): chr4:99,591,272-99,591,277, CTCATC replaced by TGTAT. VCF-style: chr4-99591272-CTCATC-TGTAT. GRCh37 (hg19) VCF-style: chr4-100512429-CTCATC-TGTAT.
Other names: c.539_544delinsTGTAT, p.Ala180fs (NM_000253.4); c.290_295delinsTGTAT, p.Ala97fs (NM_001300785.2); short protein forms A180fs, A97fs.
Identifiers: ClinVar variation 5010772 (VCV005010772.1).

ClinVar aggregate classification (germline): Pathogenic (1 of 4 stars; one submission).

Conditions:
Abetalipoproteinaemia (ABL). Also called: MTP DEFICIENCY; Abetalipoproteinemia; Abetalipoproteinemia neuropathy; Apolipoprotein B deficiency; Congenital betalipoprotein deficiency syndrome. Identifiers: Orphanet 14, MedGen C0000744, MONDO:0008692, OMIM 200100, HP:0008181.

Submission:

Myriad Genetics, Inc.
Classification: Pathogenic for Abetalipoproteinaemia. Last evaluated: 2024-05-14. Review status: criteria provided, single submitter. Criteria: Myriad Autosomal Dominant, Autosomal Recessive and X-Linked Classification Criteria (2023). Collection method: clinical testing. Allele origin: unknown.
Comment: NM_000253.2(MTTP):c.539_544del6ins5(A180Vfs*6) is expected to be pathogenic in the context of abetalipoproteinemia. This variant is predicted to lead to an abnormal or absent protein product due to the creation of a premature termination codon in MTTP, a gene where loss-of-function variants are known to be pathogenic. Please note: this variant was assessed in the context of healthy population screening.